The following is an entry in ClinVar:

ClinVar aggregate classification (germline): Likely pathogenic (0 of 4 stars; one submission).

Submission:

Quest Diagnostics Nichols Institute San Juan Capistrano
Classification: Likely pathogenic. Last evaluated: 2020-09-24. Review status: no assertion criteria provided. Collection method: clinical testing. Allele origin: germline.
Comment: This duplication involves multiple genes, including MPZ which is associated with multiple autosomal dominant types of Charcot-Marie-Tooth disease (CMT) and other types of neuropathies (OMIM 607791, 118200, 607677,607736, 145900, 605253, and 180800). Duplications of MPZ have been identified in patients with CMT, and have segregated in multiple families affected with CMT (Pehlivan et al., Genet Med. 2016 May;18(5):443-51. PMID: 26378787, Speevak et al., Eur J Med Genet. 2013 Oct;56(10):566-9. PMID: 23811036, Maeda et al., Ann Neurol. 2012 Jan;71(1):84-92. PMID: 22275255, Hoyer et al., Eur J Med Genet. Nov-Dec 2011;54(6):e580-3. PMID: 21787890). There is only one copy number gain which covers the majority of this region in the general populations of the Database of Genomic Variants. Thus, the clinical significance of this deletion has been interpreted as likely pathogenic.

GRCh37/hg19 1q23.3(chr1:160859558-161409185)x3

Genes: ADAMTS4 (ADAM metallopeptidase with thrombospondin type 1 motif 4; minus strand), APOA2 (apolipoprotein A2; minus strand), ARHGAP30 (Rho GTPase activating protein 30; minus strand), B4GALT3 (beta-1,4-galactosyltransferase 3; minus strand), CFAP126 (cilia and flagella associated protein 126; minus strand) and 19 more. Cytogenetic location: 1q23.3.
Variant type: copy number gain.
Change: copy number 3 (three copies instead of two) of chr1:160,859,558-161,409,185 (549.6 kb, GRCh37 coordinates, 1-based), cytogenetic band 1q23.3.
Identifiers: ClinVar variation 1341040 (VCV001341040.1).